The following is an entry in ClinVar:

NM_000553.6(WRN):c.3277C>A (p.Gln1093Lys)

Gene: WRN (WRN RecQ like helicase; plus strand). Cytogenetic location: 8p12.
Variant type: single nucleotide variant.
Coding change: c.3277C>A on transcript NM_000553.6 (MANE Select); coding-DNA position 3277, C replaced by A.
Protein change: p.Gln1093Lys; replaces glutamine 1093 with lysine.
Molecular consequence: missense variant.
Genome position (GRCh38, 1-based): chr8:31,142,669, C>A. VCF-style: chr8-31142669-C-A. GRCh37 (hg19) VCF-style: chr8-31000185-C-A.
Other names: short protein forms Q1093K.
Identifiers: ClinVar variation 851123 (VCV000851123.6), dbSNP rs1802691916, ClinGen allele CA370923417.

ClinVar aggregate classification (germline): Uncertain significance (1 of 4 stars; one submission).

Conditions:
Werner syndrome (WRN). Identifiers: Orphanet 902, MedGen C0043119, MONDO:0010196, OMIM 277700.

Allele frequency attached by ClinVar (database versions not stated): gnomAD exomes below 0.00001.
gnomAD v4.1: 5 of 1,605,148 alleles (0.00031%); highest among the groups gnomAD compares: Non-Finnish European, 0.00043%; no homozygotes.

Submission:

Labcorp Genetics (formerly Invitae), Labcorp
Classification: Uncertain significance for Werner syndrome. Last evaluated: 2022-08-22. Review status: criteria provided, single submitter. Criteria: Invitae Variant Classification Sherloc (09022015). Collection method: clinical testing. Allele origin: germline.
Comment: In summary, the available evidence is currently insufficient to determine the role of this variant in disease. Therefore, it has been classified as a Variant of Uncertain Significance. Algorithms developed to predict the effect of missense changes on protein structure and function are either unavailable or do not agree on the potential impact of this missense change (SIFT: "Not Available"; PolyPhen-2: "Benign"; Align-GVGD: "Not Available"). ClinVar contains an entry for this variant (Variation ID: 851123). This variant has not been reported in the literature in individuals affected with WRN-related conditions. This variant is not present in population databases (gnomAD no frequency). This sequence change replaces glutamine, which is neutral and polar, with lysine, which is basic and polar, at codon 1093 of the WRN protein (p.Gln1093Lys).